The following is an entry in ClinVar:

ClinVar aggregate classification (germline): Uncertain significance. Review status: criteria provided, multiple submitters, no conflicts (2 of 4 stars). 2 submissions from 2 submitters: Uncertain significance (2). Last evaluated 2022-03-11.

Allele frequency attached by ClinVar (database versions not stated): gnomAD exomes below 0.00001; TOPMed below 0.00001; ExAC 0.00001; gnomAD 0.00001.
gnomAD v4.1: 7 of 1,607,044 alleles (0.00044%); highest among the groups gnomAD compares: Non-Finnish European, 0.0006%; no homozygotes.

Submissions (2):

Labcorp Genetics (formerly Invitae), Labcorp
Classification: Uncertain significance. Last evaluated: 2022-03-11. Review status: criteria provided, single submitter. Criteria: Invitae Variant Classification Sherloc (09022015). Collection method: clinical testing. Allele origin: germline.
Comment: This sequence change replaces arginine, which is basic and polar, with glutamine, which is neutral and polar, at codon 1134 of the SLC12A6 protein (p.Arg1134Gln). This variant is present in population databases (rs758754831, gnomAD 0.0009%). This variant has not been reported in the literature in individuals affected with SLC12A6-related conditions. Advanced modeling of protein sequence and biophysical properties (such as structural, functional, and spatial information, amino acid conservation, physicochemical variation, residue mobility, and thermodynamic stability) performed at Invitae indicates that this missense variant is expected to disrupt SLC12A6 protein function. In summary, the available evidence is currently insufficient to determine the role of this variant in disease. Therefore, it has been classified as a Variant of Uncertain Significance.

Institute for Medical Genetics and Human Genetics, Charité - Universitätsmedizin Berlin
Classification: Uncertain significance. Review status: criteria provided, single submitter. Criteria: ACMG Guidelines, 2015. Collection method: not provided. Allele origin: germline. Inheritance: Autosomal dominant inheritance. Affected: yes.

NM_001365088.1(SLC12A6):c.3401G>A (p.Arg1134Gln)

Gene: SLC12A6 (solute carrier family 12 member 6; minus strand). Cytogenetic location: 15q14.
Variant type: single nucleotide variant.
Coding change: c.3401G>A on transcript NM_001365088.1 (MANE Select); coding-DNA position 3401, G replaced by A.
Protein change: p.Arg1134Gln; replaces arginine 1134 with glutamine.
Molecular consequence: missense variant.
Genome position (GRCh38, 1-based): chr15:34,233,933, C>T on the plus strand (G>A on the coding strand, the complement: SLC12A6 is on the minus strand). VCF-style: chr15-34233933-C-T. GRCh37 (hg19) VCF-style: chr15-34526134-C-T.
Other names: c.3224G>A, p.Arg1075Gln (NM_001042494.2, NM_001042495.2); c.3374G>A, p.Arg1125Gln (NM_001042496.2); c.3356G>A, p.Arg1119Gln (NM_001042497.2); c.3248G>A, p.Arg1083Gln (NM_005135.2); c.3401G>A, p.Arg1134Gln (NM_133647.2); short protein forms R1125Q, R1134Q, R1075Q, R1083Q, R1119Q.
Identifiers: ClinVar variation 1985097 (VCV001985097.3), dbSNP rs758754831, ClinGen allele CA7463843.
Genomic context (GRCh38, chr15:34,233,933, plus strand): 5'-AGAGTAGGTTATGAATAAATGGTGATCACTTCACTGCCACCACCCCGGACAAGTAGGACT[C>T]GCTCTAGTCCCTCGGTAAGCACCTCTAGGAACTCCATGTCTTCAAAACTTGTCAAGGAGA-3'
Protein context (NP_001352017.1, residues 1124-1144): FLEVLTEGLE[Arg1134Gln]VLLVRGGGSE